The following is an entry in ClinVar:

NM_000051.4(ATM):c.1292A>C (p.Glu431Ala)

Gene: ATM (ATM serine/threonine kinase; plus strand). Cytogenetic location: 11q22.3.
Variant type: single nucleotide variant.
Coding change: c.1292A>C on transcript NM_000051.4 (MANE Select); coding-DNA position 1292, A replaced by C.
Protein change: p.Glu431Ala; replaces glutamic acid 431 with alanine.
Molecular consequence: missense variant.
Genome position (GRCh38, 1-based): chr11:108,250,757, A>C. VCF-style: chr11-108250757-A-C. GRCh37 (hg19) VCF-style: chr11-108121484-A-C.
Other names: c.1292A>C, p.Glu431Ala (NM_001351834.2); short protein forms E431A.
Identifiers: ClinVar variation 481244 (VCV000481244.12), dbSNP rs1320262218, ClinGen allele CA382533556.

ClinVar aggregate classification (germline): Uncertain significance. Review status: criteria provided, multiple submitters, no conflicts (2 of 4 stars). 2 submissions from 2 submitters: Uncertain significance (2). Last evaluated 2025-07-09.

Conditions:
Hereditary cancer-predisposing syndrome. Also called: Hereditary neoplastic syndrome; Neoplastic Syndromes, Hereditary; Tumor predisposition; Hereditary Cancer Syndrome. Identifiers: Orphanet 140162, MedGen C0027672, MeSH D009386, MONDO:0015356.
Ataxia-telangiectasia syndrome (AT). Also called: LOUIS-BAR SYNDROME; Cerebello-oculocutaneous telangiectasia; Immunodeficiency with ataxia telangiectasia; AT, COMPLEMENTATION GROUP C; Ataxia-telangiectasia, complementation group D; ATAXIA-TELANGIECTASIA, COMPLEMENTATION GROUP A. Identifiers: Orphanet 100, MedGen C0004135, MONDO:0008840, OMIM 208900.

Allele frequency attached by ClinVar (database versions not stated): gnomAD 0.00001; TOPMed 0.00001.

Submissions (2):

Labcorp Genetics (formerly Invitae), Labcorp
Classification: Uncertain significance for Ataxia-telangiectasia syndrome. Last evaluated: 2025-07-09. Review status: criteria provided, single submitter. Criteria: Invitae Variant Classification Sherloc (09022015). Collection method: clinical testing. Allele origin: germline.
Comment: This sequence change replaces glutamic acid, which is acidic and polar, with alanine, which is neutral and non-polar, at codon 431 of the ATM protein (p.Glu431Ala). This variant is not present in population databases (gnomAD no frequency). This variant has not been reported in the literature in individuals affected with ATM-related conditions. ClinVar contains an entry for this variant (Variation ID: 481244). Invitae Evidence Modeling of protein sequence and biophysical properties (such as structural, functional, and spatial information, amino acid conservation, physicochemical variation, residue mobility, and thermodynamic stability) indicates that this missense variant is not expected to disrupt ATM protein function with a negative predictive value of 95%. In summary, the available evidence is currently insufficient to determine the role of this variant in disease. Therefore, it has been classified as a Variant of Uncertain Significance.

Ambry Genetics
Classification: Uncertain significance for Hereditary cancer-predisposing syndrome. Last evaluated: 2016-05-24. Review status: criteria provided, single submitter. Criteria: Ambry Variant Classification Scheme 2023. Collection method: clinical testing. Allele origin: germline.
Comment: The p.E431A variant (also known as c.1292A>C), located in coding exon 9 of the ATM gene, results from an A to C substitution at nucleotide position 1292. The glutamic acid at codon 431 is replaced by alanine, an amino acid with dissimilar properties. This variant was not reported in population based cohorts in the following databases: Database of Single Nucleotide Polymorphisms (dbSNP), NHLBI Exome Sequencing Project (ESP), and 1000 Genomes Project. In the ESP, this variant was not observed in 6499 samples (12998 alleles) with coverage at this position. To date, this alteration has been detected with an allele frequency of approximately 0.001% (greater than 180000 alleles tested) in our clinical cohort. This amino acid position is well conserved in available vertebrate species. In addition, this alteration is predicted to be tolerated by in silico analysis. Since supporting evidence is limited at this time, the clinical significance of this alteration remains unclear.